The following is an entry in ClinVar:

ClinVar aggregate classification (germline): Uncertain significance (1 of 4 stars; one submission).

Conditions:
Neuropathy, hereditary sensory, type 2C. Also called: KIF1A-Related HSAN2 (HSAN2C); Hereditary sensory and autonomic neuropathy type IIC. Identifiers: Orphanet 970, MedGen C3280168, MONDO:0013634, OMIM 614213.
Hereditary spastic paraplegia 30. Identifiers: Orphanet 101010, MedGen C5235139, MONDO:0012476.
Intellectual disability, autosomal dominant 9 (NESCAVS). Also called: NESCAV SYNDROME; KIF1A-Related Neurodevelopmental Disorder. Identifiers: Orphanet 662367, MedGen C5393830, MONDO:0013656, OMIM 614255.

Submission:

Labcorp Genetics (formerly Invitae), Labcorp
Classification: Uncertain significance for Hereditary spastic paraplegia 30; Neuropathy, hereditary sensory, type 2C; Intellectual disability, autosomal dominant 9. Last evaluated: 2023-09-30. Review status: criteria provided, single submitter. Criteria: Invitae Variant Classification Sherloc (09022015). Collection method: clinical testing. Allele origin: germline.
Comment: This sequence change replaces lysine, which is basic and polar, with glutamic acid, which is acidic and polar, at codon 629 of the KIF1A protein (p.Lys629Glu). This variant is not present in population databases (gnomAD no frequency). This variant has not been reported in the literature in individuals affected with KIF1A-related conditions. Advanced modeling of protein sequence and biophysical properties (such as structural, functional, and spatial information, amino acid conservation, physicochemical variation, residue mobility, and thermodynamic stability) has been performed at Invitae for this missense variant, however the output from this modeling did not meet the statistical confidence thresholds required to predict the impact of this variant on KIF1A protein function. In summary, the available evidence is currently insufficient to determine the role of this variant in disease. Therefore, it has been classified as a Variant of Uncertain Significance.

NM_001244008.2(KIF1A):c.1912A>G (p.Lys638Glu)

Gene: KIF1A (kinesin family member 1A; minus strand). Cytogenetic location: 2q37.3.
Variant type: single nucleotide variant.
Coding change: c.1912A>G on transcript NM_001244008.2 (MANE Select); coding-DNA position 1912, A replaced by G.
Protein change: p.Lys638Glu; replaces lysine 638 with glutamic acid.
Molecular consequence: missense variant.
Genome position (GRCh38, 1-based): chr2:240,763,203, T>C on the plus strand (A>G on the coding strand, the complement: KIF1A is on the minus strand). VCF-style: chr2-240763203-T-C. GRCh37 (hg19) VCF-style: chr2-241702620-T-C.
Other names: c.1912A>G, p.Lys638Glu (NM_001320705.2, NM_001330289.2, NM_001379638.1); c.1987A>G, p.Lys663Glu (NM_001330290.2, NM_001379631.1, NM_001379634.1 and 2 more transcripts); c.1885A>G, p.Lys629Glu (NM_001379632.1, NM_001379633.1, NM_001379636.1 and 11 more transcripts); c.1960A>G, p.Lys654Glu (NM_001379637.1, NM_001379648.1); short protein forms K654E, K629E, K638E, K663E.
Identifiers: ClinVar variation 2952387 (VCV002952387.3), dbSNP rs2537670620, ClinGen allele CA351327008.